The following is an entry in ClinVar:

NM_030665.4(RAI1):c.1564G>A (p.Glu522Lys)

Gene: RAI1 (retinoic acid induced 1; plus strand). Cytogenetic location: 17p11.2.
Variant type: single nucleotide variant.
Coding change: c.1564G>A on transcript NM_030665.4 (MANE Select); coding-DNA position 1564, G replaced by A.
Protein change: p.Glu522Lys; replaces glutamic acid 522 with lysine.
Molecular consequence: missense variant.
Genome position (GRCh38, 1-based): chr17:17,794,512, G>A. VCF-style: chr17-17794512-G-A. GRCh37 (hg19) VCF-style: chr17-17697826-G-A.
Other names: short protein forms E522K.
Identifiers: ClinVar variation 2570977 (VCV002570977.30), dbSNP rs1267382743, ClinGen allele CA398548648.

ClinVar aggregate classification (germline): Uncertain significance. Review status: criteria provided, multiple submitters, no conflicts (2 of 4 stars). 2 submissions from 2 submitters: Uncertain significance (2). Last evaluated 2024-02-09.

Allele frequency attached by ClinVar (database versions not stated): gnomAD exomes 0.00001.
gnomAD v4.1: 10 of 1,612,434 alleles (0.00062%); highest among the groups gnomAD compares: East Asian, 0.0045%; no homozygotes.

Submissions (2):

Labcorp Genetics (formerly Invitae), Labcorp
Classification: Uncertain significance. Last evaluated: 2024-02-09. Review status: criteria provided, single submitter. Criteria: Invitae Variant Classification Sherloc (09022015). Collection method: clinical testing. Allele origin: germline.
Comment: This sequence change replaces glutamic acid, which is acidic and polar, with lysine, which is basic and polar, at codon 522 of the RAI1 protein (p.Glu522Lys). This variant is present in population databases (no rsID available, gnomAD 0.01%). This variant has not been reported in the literature in individuals affected with RAI1-related conditions. ClinVar contains an entry for this variant (Variation ID: 2570977). Advanced modeling of protein sequence and biophysical properties (such as structural, functional, and spatial information, amino acid conservation, physicochemical variation, residue mobility, and thermodynamic stability) performed at Invitae indicates that this missense variant is expected to disrupt RAI1 protein function with a positive predictive value of 80%. In summary, the available evidence is currently insufficient to determine the role of this variant in disease. Therefore, it has been classified as a Variant of Uncertain Significance.

CeGaT Center for Human Genetics Tuebingen
Classification: Uncertain significance. Last evaluated: 2023-06-01. Review status: criteria provided, single submitter. Criteria: CeGaT Center For Human Genetics Tuebingen Variant Classification Criteria Version 2. Collection method: clinical testing. Allele origin: germline. Affected: yes. Observed: 1 variant allele.